The following is an entry in ClinVar:

ClinVar aggregate classification (germline): Uncertain significance. Review status: criteria provided, multiple submitters, no conflicts (2 of 4 stars). 2 submissions from 2 submitters: Uncertain significance (2). Last evaluated 2023-02-26.

Conditions:
Singleton-Merten syndrome 2 (SGMRT2). Identifiers: Orphanet 85191, MedGen C4225380, MONDO:0014575, OMIM 616298.

Allele frequency attached by ClinVar (database versions not stated): gnomAD exomes below 0.00001.
gnomAD v4.1: 4 of 1,613,312 alleles (0.00025%); highest among the groups gnomAD compares: Admixed American, 0.005%; no homozygotes.

Submissions (2):

Revvity Omics, Revvity
Classification: Uncertain significance for Singleton-Merten syndrome 2. Last evaluated: 2023-02-26. Review status: criteria provided, single submitter. Criteria: ACMG Guidelines, 2015. Collection method: clinical testing. Allele origin: germline.

Labcorp Genetics (formerly Invitae), Labcorp
Classification: Uncertain significance. Last evaluated: 2023-01-07. Review status: criteria provided, single submitter. Criteria: Invitae Variant Classification Sherloc (09022015). Collection method: clinical testing. Allele origin: germline.
Comment: This sequence change replaces valine, which is neutral and non-polar, with leucine, which is neutral and non-polar, at codon 293 of the DDX58 protein (p.Val293Leu). In summary, the available evidence is currently insufficient to determine the role of this variant in disease. Therefore, it has been classified as a Variant of Uncertain Significance. Advanced modeling of protein sequence and biophysical properties (such as structural, functional, and spatial information, amino acid conservation, physicochemical variation, residue mobility, and thermodynamic stability) performed at Invitae indicates that this missense variant is expected to disrupt DDX58 protein function. This variant has not been reported in the literature in individuals affected with DDX58-related conditions. This variant is present in population databases (no rsID available, gnomAD 0.009%).

NM_014314.4(RIGI):c.877G>C (p.Val293Leu)

Gene: RIGI (RNA sensor RIG-I; minus strand). Cytogenetic location: 9p21.1.
Variant type: single nucleotide variant.
Coding change: c.877G>C on transcript NM_014314.4 (MANE Select); coding-DNA position 877, G replaced by C.
Protein change: p.Val293Leu; replaces valine 293 with leucine.
Molecular consequence: missense variant.
Genome position (GRCh38, 1-based): chr9:32,488,810, C>G on the plus strand (G>C on the coding strand, the complement: RIGI is on the minus strand). VCF-style: chr9-32488810-C-G. GRCh37 (hg19) VCF-style: chr9-32488808-C-G.
Other names: c.877G>C, p.Val293Leu (NM_001385907.1, NM_001385909.1); c.436G>C, p.Val146Leu (NM_001385910.1); c.268G>C, p.Val90Leu (NM_001385912.1); c.862G>C, p.Val288Leu (NM_001385913.1); c.433G>C, p.Val145Leu (NM_001385914.1); short protein forms V145L, V146L, V288L, V293L, V90L.
Identifiers: ClinVar variation 2688922 (VCV002688922.5), dbSNP rs1022852376, ClinGen allele CA192380975.